The following is an entry in ClinVar:

ClinVar aggregate classification (germline): Uncertain significance. Review status: criteria provided, single submitter (1 of 4 stars). 2 submissions from 2 submitters: Uncertain significance (1). 1 of the submissions does not count toward it. Last evaluated 2025-12-08.

Conditions:
PEX10-related disorder. Also called: PEX10-related condition.
Peroxisome biogenesis disorder, complementation group 7 (CG7). Also called: Peroxisome biogenesis disorder, complementation group B. Identifiers: MedGen C1864399.

gnomAD v4.1: 2 of 1,613,634 alleles (0.00012%); highest among the groups gnomAD compares: Admixed American, 0.0033%; no homozygotes.

Submissions (2):

Labcorp Genetics (formerly Invitae), Labcorp
Classification: Uncertain significance for Peroxisome biogenesis disorder, complementation group 7. Last evaluated: 2025-12-08. Review status: criteria provided, single submitter. Criteria: Invitae Variant Classification Sherloc (09022015). Collection method: clinical testing. Allele origin: germline.
Comment: This sequence change replaces leucine, which is neutral and non-polar, with glutamine, which is neutral and polar, at codon 113 of the PEX10 protein (p.Leu113Gln). This variant is present in population databases (no rsID available, gnomAD 0.006%). This variant has not been reported in the literature in individuals affected with PEX10-related conditions. ClinVar contains an entry for this variant (Variation ID: 1348899). An algorithm developed to predict the effect of missense changes on protein structure and function (PolyPhen-2) suggests that this variant is likely to be disruptive. In summary, the available evidence is currently insufficient to determine the role of this variant in disease. Therefore, it has been classified as a Variant of Uncertain Significance.

PreventionGenetics, part of Exact Sciences
Classification: Uncertain significance for PEX10-related condition. Last evaluated: 2024-03-07. Review status: no assertion criteria provided. Collection method: clinical testing. Allele origin: germline. Not counted in ClinVar's aggregate classification.
Comment: The PEX10 c.338T>A variant is predicted to result in the amino acid substitution p.Leu113Gln. To our knowledge, this variant has not been reported in the literature. This variant is reported in 0.0058% of alleles in individuals of Latino descent in gnomAD. At this time, the clinical significance of this variant is uncertain due to the absence of conclusive functional and genetic evidence.

NM_002617.4(PEX10):c.338T>A (p.Leu113Gln)

Gene: PEX10 (peroxisomal biogenesis factor 10; minus strand). Cytogenetic location: 1p36.32.
Variant type: single nucleotide variant.
Coding change: c.338T>A on transcript NM_002617.4 (MANE Select); coding-DNA position 338, T replaced by A.
Protein change: p.Leu113Gln; replaces leucine 113 with glutamine.
Molecular consequence: missense variant. On other transcripts: 5 prime UTR variant (2), non-coding transcript variant (1).
Genome position (GRCh38, 1-based): chr1:2,408,714, A>T on the plus strand (T>A on the coding strand, the complement: PEX10 is on the minus strand). VCF-style: chr1-2408714-A-T. GRCh37 (hg19) VCF-style: chr1-2340153-A-T.
Other names: c.338T>A, p.Leu113Gln (NM_001374425.1, NM_153818.2); c.-95T>A (NM_001374426.1, NM_001374427.1); c.338T>A (NM_153818.1); short protein forms L113Q.
Identifiers: ClinVar variation 1348899 (VCV001348899.6), dbSNP rs757778155, ClinGen allele CA337988525.
Genomic context (GRCh38, chr1:2,408,714, plus strand): 5'-GGCCCCAGGCTCCCCTGCAAGGGTCGCCCACTGTCGGGGTCAGCCTGCAGCTCCTGCTCC[A>T]GGGGGAGCAGGGCCTTGTCCAGCAGGTAGGGCAGGACGGCATGCAGTGTCACCAGCACGC-3'
Protein context (NP_002608.1, residues 103-123): PYLLDKALLP[Leu113Gln]EQELQADPDS